The following is an entry in ClinVar:

ClinVar aggregate classification (germline): Conflicting classifications of pathogenicity. Review status: criteria provided, conflicting classifications (1 of 4 stars). 3 submissions from 3 submitters: Uncertain significance (2); Likely benign (1). Last evaluated 2024-12-20.

Conditions:
Hereditary cancer-predisposing syndrome. Also called: Neoplastic Syndromes, Hereditary; Hereditary Cancer Syndrome; Tumor predisposition; Hereditary neoplastic syndrome. Identifiers: Orphanet 140162, MedGen C0027672, MeSH D009386, MONDO:0015356.
PTCH1-related disorder. Also called: PTCH1-related disorders; PTCH1-related condition.
Gorlin syndrome. Also called: Basal cell nevus syndrome; Nevoid Basal Cell Carcinoma Syndrome. Identifiers: Orphanet 377, MedGen C0004779, MONDO:0007187.

Allele frequency attached by ClinVar (database versions not stated): TOPMed below 0.00001; ExAC 0.00002; gnomAD exomes 0.00002; ESP Exome Variant Server 0.00008.

Submissions (3):

PreventionGenetics, part of Exact Sciences
Classification: Uncertain significance for PTCH1-related condition. Last evaluated: 2024-12-20. Review status: criteria provided, single submitter. Criteria: ACMG Guidelines, 2015. Collection method: clinical testing. Allele origin: germline.
Comment: The PTCH1 c.1376G>A variant is predicted to result in the amino acid substitution p.Arg459His. To our knowledge, this variant has not been reported in the literature. This variant is reported in 0.0065% of alleles in individuals of South Asian descent in gnomAD. At this time, the clinical significance of this variant is uncertain due to the absence of conclusive functional and genetic evidence.

Labcorp Genetics (formerly Invitae), Labcorp
Classification: Likely benign for Gorlin syndrome. Last evaluated: 2024-12-18. Review status: criteria provided, single submitter. Criteria: Invitae Variant Classification Sherloc (09022015). Collection method: clinical testing. Allele origin: germline.

Ambry Genetics
Classification: Uncertain significance for Hereditary cancer-predisposing syndrome. Last evaluated: 2023-03-03. Review status: criteria provided, single submitter. Criteria: Ambry Variant Classification Scheme 2023. Collection method: clinical testing. Allele origin: germline.
Comment: The p.R459H variant (also known as c.1376G>A), located in coding exon 10 of the PTCH1 gene, results from a G to A substitution at nucleotide position 1376. The arginine at codon 459 is replaced by histidine, an amino acid with highly similar properties. This amino acid position is highly conserved in available vertebrate species. In addition, this alteration is predicted to be deleterious by in silico analysis. Since supporting evidence is limited at this time, the clinical significance of this alteration remains unclear.

NM_000264.5(PTCH1):c.1376G>A (p.Arg459His)

Gene: PTCH1 (patched 1; minus strand). Cytogenetic location: 9q22.32.
Variant type: single nucleotide variant.
Coding change: c.1376G>A on transcript NM_000264.5 (MANE Select); coding-DNA position 1376, G replaced by A.
Protein change: p.Arg459His; replaces arginine 459 with histidine.
Molecular consequence: missense variant. On other transcripts: non-coding transcript variant (1), intron variant (1).
Genome position (GRCh38, 1-based): chr9:95,477,674, C>T on the plus strand (G>A on the coding strand, the complement: PTCH1 is on the minus strand). VCF-style: chr9-95477674-C-T. GRCh37 (hg19) VCF-style: chr9-98239956-C-T.
Other names: c.1178G>A, p.Arg393His (NM_001083602.3); c.1373G>A, p.Arg458His (NM_001083603.3); c.923G>A, p.Arg308His (NM_001083604.3, NM_001083605.3, NM_001083606.3 and 1 more transcripts); c.1347+381G>A (NM_001354918.2); short protein forms R393H, R308H, R459H, R458H.
Identifiers: ClinVar variation 819033 (VCV000819033.15), dbSNP rs140537949, ClinGen allele CA5138664.
Genomic context (GRCh38, chr9:95,477,674, plus strand): 5'-AGTGCAACCAGCAGGACGCCAGCCAGCCCCACGGCACCCTGGGACTTGGAGCAGTCCCAG[C>T]GCAGCATGGTTAGACAGGCATAGGCGAGCTGCAAGCAGAACAATGGGGGCACAGAACAAA-3'
Protein context (NP_000255.2, residues 449-469): MLAYACLTML[Arg459His]WDCSKSQGAV